The following is an entry in ClinVar:

ClinVar aggregate classification (germline): Uncertain significance (1 of 4 stars; one submission).

Submission:

GeneDx
Classification: Uncertain significance. Last evaluated: 2024-07-15. Review status: criteria provided, single submitter. Criteria: GeneDx Variant Classification Process June 2021. Collection method: clinical testing. Allele origin: germline. Affected: yes.
Comment: Not observed at significant frequency in large population cohorts (gnomAD); In silico analysis supports that this missense variant has a deleterious effect on protein structure/function; Has not been previously published as pathogenic or benign to our knowledge

NM_015057.5(MYCBP2):c.6736T>A (p.Cys2246Ser)

Gene: MYCBP2 (MYC binding protein 2; minus strand). Cytogenetic location: 13q22.3.
Variant type: single nucleotide variant.
Coding change: c.6736T>A on transcript NM_015057.5 (MANE Select); coding-DNA position 6736, T replaced by A.
Protein change: p.Cys2246Ser; replaces cysteine 2246 with serine.
Molecular consequence: missense variant.
Genome position (GRCh38, 1-based): chr13:77,157,971, A>T on the plus strand (T>A on the coding strand, the complement: MYCBP2 is on the minus strand). VCF-style: chr13-77157971-A-T. GRCh37 (hg19) VCF-style: chr13-77732106-A-T.
Other names: short protein forms C2246S.
Identifiers: ClinVar variation 3573671 (VCV003573671.1).